The following is an entry in ClinVar:

ClinVar aggregate classification (germline): Uncertain significance (1 of 4 stars; one submission).

Conditions:
Growth hormone insensitivity with immune dysregulation 1, autosomal recessive. Also called: GROWTH HORMONE INSENSITIVITY SYNDROME WITH IMMUNE DYSREGULATION 1, AUTOSOMAL RECESSIVE; Laron syndrome with immunodeficiency; GROWTH HORMONE INSENSITIVITY DUE TO POSTRECEPTOR DEFECT; LARON SYNDROME DUE TO POSTRECEPTOR DEFECT. Identifiers: Orphanet 220465, MedGen C5435698, MONDO:0100211, OMIM 245590.

Submission:

Labcorp Genetics (formerly Invitae), Labcorp
Classification: Uncertain significance for Growth hormone insensitivity with immune dysregulation 1, autosomal recessive. Last evaluated: 2022-11-20. Review status: criteria provided, single submitter. Criteria: Invitae Variant Classification Sherloc (09022015). Collection method: clinical testing. Allele origin: germline.
Comment: This sequence change falls in intron 12 of the STAT5B gene. It does not directly change the encoded amino acid sequence of the STAT5B protein. This variant is not present in population databases (gnomAD no frequency). In summary, the available evidence is currently insufficient to determine the role of this variant in disease. Therefore, it has been classified as a Variant of Uncertain Significance. Algorithms developed to predict the effect of sequence changes on RNA splicing suggest that this variant may disrupt the consensus splice site. This variant has not been reported in the literature in individuals affected with STAT5B-related conditions.

NM_012448.4(STAT5B):c.1474-9C>A

Gene: STAT5B (signal transducer and activator of transcription 5B; minus strand). Cytogenetic location: 17q21.2.
Variant type: single nucleotide variant.
Coding change: c.1474-9C>A on transcript NM_012448.4 (MANE Select); 9 bases into the intron before coding-DNA position 1474, C replaced by A.
Molecular consequence: intron variant.
Genome position (GRCh38, 1-based): chr17:42,212,199, G>T on the plus strand (C>A on the coding strand, the complement: STAT5B is on the minus strand). VCF-style: chr17-42212199-G-T. GRCh37 (hg19) VCF-style: chr17-40364217-G-T.
Identifiers: ClinVar variation 2815417 (VCV002815417.3), dbSNP rs1354104888, ClinGen allele CA2739267547.
Genomic context (GRCh38, chr17:42,212,199, plus strand): 5'-CACACAGCTGTGGCCACAGCACTTTGTCAGGCACGGCAAATGGCACCCTGCCCTGAGAGG[G>T]AGAGAGGCCAGAATCTGATGAGAAAACAGTTGCATGATTTATTCCCTCAAGCCACAAAAG-3'